The following is an entry in ClinVar:

NM_002335.4(LRP5):c.4586+3A>G

Gene: LRP5 (LDL receptor related protein 5; plus strand). Cytogenetic location: 11q13.2.
Variant type: single nucleotide variant.
Coding change: c.4586+3A>G on transcript NM_002335.4 (MANE Select); 3 bases into the intron after coding-DNA position 4586, A replaced by G.
Molecular consequence: intron variant.
Genome position (GRCh38, 1-based): chr11:68,446,536, A>G. VCF-style: chr11-68446536-A-G. GRCh37 (hg19) VCF-style: chr11-68214004-A-G.
Other names: c.2843+3A>G (NM_001291902.2).
Identifiers: ClinVar variation 1514088 (VCV001514088.9), dbSNP rs374747007, ClinGen allele CA6150433.

ClinVar aggregate classification (germline): Uncertain significance. Review status: criteria provided, multiple submitters, no conflicts (2 of 4 stars). 3 submissions from 3 submitters: Uncertain significance (3). Last evaluated 2025-04-14.

Conditions:
Bone mineral density quantitative trait locus 1 (BMND1). Identifiers: MedGen C1866079, OMIM 601884.
Worth disease. Also called: ENDOSTEAL HYPEROSTOSIS, AUTOSOMAL DOMINANT; Autosomal dominant osteosclerosis, Worth type; OSTEOSCLEROSIS, AUTOSOMAL DOMINANT. Identifiers: Orphanet 2790, MedGen C0432273, MONDO:0007764, OMIM 144750.
Exudative vitreoretinopathy 4 (EVR4). Identifiers: Orphanet 891, MedGen C1866176, MONDO:0011151, OMIM 601813.
Autosomal dominant osteopetrosis 1 (OPTA1). Also called: OSTEOPETROSIS, AUTOSOMAL DOMINANT, TYPE I. Identifiers: Orphanet 2783, MedGen C1843330, MONDO:0011877, OMIM 607634.
Osteoporosis with pseudoglioma (OPPG). Also called: osteoporosis-pseudoglioma syndrome. Identifiers: Orphanet 2788, MedGen C0432252, MONDO:0009820, OMIM 259770.
Polycystic liver disease 4 with or without kidney cysts. Identifiers: MedGen C4693479, MONDO:0044327, OMIM 617875.

Allele frequency attached by ClinVar (database versions not stated): ExAC 0.00001; gnomAD 0.00001 and 0.00002; gnomAD exomes 0.00001; TOPMed 0.00002; ESP Exome Variant Server 0.00008.
gnomAD v4.1: 19 of 1,612,200 alleles (0.0012%); highest among the groups gnomAD compares: Non-Finnish European, 0.0016%; no homozygotes.

Submissions (3):

Labcorp Genetics (formerly Invitae), Labcorp
Classification: Uncertain significance. Last evaluated: 2025-04-14. Review status: criteria provided, single submitter. Criteria: Invitae Variant Classification Sherloc (09022015). Collection method: clinical testing. Allele origin: germline.
Comment: This sequence change falls in intron 22 of the LRP5 gene. It does not directly change the encoded amino acid sequence of the LRP5 protein. It affects a nucleotide within the consensus splice site. This variant is present in population databases (rs374747007, gnomAD 0.0009%). This variant has not been reported in the literature in individuals affected with LRP5-related conditions. ClinVar contains an entry for this variant (Variation ID: 1514088). Variants that disrupt the consensus splice site are a relatively common cause of aberrant splicing (PMID: 17576681, 9536098). Algorithms developed to predict the effect of sequence changes on RNA splicing suggest that this variant is not likely to affect RNA splicing. In summary, the available evidence is currently insufficient to determine the role of this variant in disease. Therefore, it has been classified as a Variant of Uncertain Significance.

Fulgent Genetics
Classification: Uncertain significance for Worth disease; Osteoporosis with pseudoglioma; Exudative vitreoretinopathy 4; Bone mineral density quantitative trait locus 1; Autosomal dominant osteopetrosis 1; Polycystic liver disease 4 with or without kidney cysts. Last evaluated: 2024-01-17. Review status: criteria provided, single submitter. Criteria: ACMG Guidelines, 2015. Collection method: clinical testing. Allele origin: germline.

Blueprint Genetics
Classification: Uncertain significance. Last evaluated: 2021-06-16. Review status: criteria provided, single submitter. Criteria: ACMG Guidelines, 2015. Collection method: clinical testing. Allele origin: germline.

Literature cited by the submitters: PubMed 17576681 (cited by Labcorp Genetics (formerly Invitae), Labcorp); PubMed 9536098 (cited by Labcorp Genetics (formerly Invitae), Labcorp).